The following is an entry in ClinVar:

ClinVar aggregate classification (germline): Likely pathogenic (1 of 4 stars; one submission).

Conditions:
HPS5-related disorder. Also called: HPS5-related condition.

Submission:

PreventionGenetics, part of Exact Sciences
Classification: Likely pathogenic for HPS5-related condition. Last evaluated: 2024-12-20. Review status: criteria provided, single submitter. Criteria: ACMG Guidelines, 2015. Collection method: clinical testing. Allele origin: germline.
Comment: The HPS5 c.949dupC variant is predicted to result in a frameshift and premature protein termination (p.Gln317Profs*10). To our knowledge, this variant has not been reported in the literature or in a large population database (gnomAD), indicating this variant is rare. Frameshift variants in HPS5 are expected to be pathogenic. This variant is interpreted as likely pathogenic.

NM_181507.2(HPS5):c.949dup (p.Gln317fs)

Gene: HPS5 (HPS5 biogenesis of lysosomal organelles complex 2 subunit 2; minus strand). Cytogenetic location: 11p15.1.
Variant type: Duplication.
Coding change: c.949dup on transcript NM_181507.2 (MANE Select); coding-DNA position 949, one base duplicated (C; older notation c.949dupC).
Protein change: p.Gln317fs; shifts the reading frame from glutamine 317.
Molecular consequence: frameshift variant.
Genome position (GRCh38, 1-based): chr11:18,300,864, G duplicated on the plus strand (C on the coding strand, the reverse complement: HPS5 is on the minus strand). VCF-style (leftmost placement, unchanged base first): chr11-18300863-T-TG. GRCh37 (hg19) VCF-style: chr11-18322410-T-TG.
Other names: c.949dupC (NM_181507.1); c.949dup, p.Gln317fs (NM_001440902.1, NM_001440903.1, NM_001440904.1 and 5 more transcripts); c.874dup, p.Gln292fs (NM_001440907.1, NM_001440908.1, NM_001440909.1); c.838dup, p.Gln280fs (NM_001440913.1, NM_001440914.1, NM_001440915.1); c.763dup, p.Gln255fs (NM_001440918.1); c.736dup, p.Gln246fs (NM_001440919.1); c.607dup, p.Gln203fs (NM_001440920.1, NM_001440921.1, NM_001440922.1 and 7 more transcripts); c.535dup, p.Gln179fs (NM_001440927.1, NM_001440928.1, NM_001440929.1); short protein forms Q179fs, Q280fs, Q203fs, Q246fs, Q292fs, Q317fs, Q255fs.
Identifiers: ClinVar variation 4998973 (VCV004998973.1).